The following is an entry in ClinVar:

NM_014989.7(RIMS1):c.1124T>C (p.Met375Thr)

Gene: RIMS1 (regulating synaptic membrane exocytosis 1; plus strand). Cytogenetic location: 6q13.
Variant type: single nucleotide variant.
Coding change: c.1124T>C on transcript NM_014989.7 (MANE Select); coding-DNA position 1124, T replaced by C.
Protein change: p.Met375Thr; replaces methionine 375 with threonine.
Molecular consequence: missense variant.
Genome position (GRCh38, 1-based): chr6:72,182,595, T>C. VCF-style: chr6-72182595-T-C. GRCh37 (hg19) VCF-style: chr6-72892298-T-C.
Other names: short protein forms M375T.
Identifiers: ClinVar variation 1035407 (VCV001035407.8), dbSNP rs2048533179, ClinGen allele CA364820309.

ClinVar aggregate classification (germline): Uncertain significance (1 of 4 stars; one submission).

Submission:

Labcorp Genetics (formerly Invitae), Labcorp
Classification: Uncertain significance. Last evaluated: 2022-02-04. Review status: criteria provided, single submitter. Criteria: Invitae Variant Classification Sherloc (09022015). Collection method: clinical testing. Allele origin: germline.
Comment: In summary, the available evidence is currently insufficient to determine the role of this variant in disease. Therefore, it has been classified as a Variant of Uncertain Significance. Algorithms developed to predict the effect of missense changes on protein structure and function are either unavailable or do not agree on the potential impact of this missense change (SIFT: "Deleterious"; PolyPhen-2: "Benign"; Align-GVGD: "Class C0"). ClinVar contains an entry for this variant (Variation ID: 1035407). This variant has not been reported in the literature in individuals affected with RIMS1-related conditions. This variant is not present in population databases (gnomAD no frequency). This sequence change replaces methionine, which is neutral and non-polar, with threonine, which is neutral and polar, at codon 375 of the RIMS1 protein (p.Met375Thr).